The following is an entry in ClinVar:

NM_004260.4(RECQL4):c.752G>T (p.Ser251Ile)

Gene: RECQL4 (RecQ like helicase 4; minus strand). Cytogenetic location: 8q24.3.
Variant type: single nucleotide variant.
Coding change: c.752G>T on transcript NM_004260.4 (MANE Select); coding-DNA position 752, G replaced by T.
Protein change: p.Ser251Ile; replaces serine 251 with isoleucine.
Molecular consequence: missense variant.
Genome position (GRCh38, 1-based): chr8:144,516,367, C>A on the plus strand (G>T on the coding strand, the complement: RECQL4 is on the minus strand). VCF-style: chr8-144516367-C-A. GRCh37 (hg19) VCF-style: chr8-145741751-C-A.
Other names: short protein forms S251I.
Identifiers: ClinVar variation 845065 (VCV000845065.5), dbSNP rs1269997113, ClinGen allele CA372689394.

ClinVar aggregate classification (germline): Uncertain significance (1 of 4 stars; one submission).

Conditions:
Baller-Gerold syndrome (BGS). Also called: CRANIOSYNOSTOSIS WITH RADIAL DEFECTS. Identifiers: Orphanet 1225, MedGen C0265308, MONDO:0009039, OMIM 218600.

Submission:

Labcorp Genetics (formerly Invitae), Labcorp
Classification: Uncertain significance for Baller-Gerold syndrome. Last evaluated: 2020-06-29. Review status: criteria provided, single submitter. Criteria: Invitae Variant Classification Sherloc (09022015). Collection method: clinical testing. Allele origin: germline.
Comment: In summary, the available evidence is currently insufficient to determine the role of this variant in disease. Therefore, it has been classified as a Variant of Uncertain Significance. Algorithms developed to predict the effect of missense changes on protein structure and function (SIFT, PolyPhen-2, Align-GVGD) all suggest that this variant is likely to be tolerated, but these predictions have not been confirmed by published functional studies and their clinical significance is uncertain. This variant has not been reported in the literature in individuals with RECQL4-related conditions. This variant is not present in population databases (ExAC no frequency). This sequence change replaces serine with isoleucine at codon 251 of the RECQL4 protein (p.Ser251Ile). The serine residue is moderately conserved and there is a large physicochemical difference between serine and isoleucine.